The following is an entry in ClinVar:

NC_000001.10:g.(?_1385068)_(1405544_?)del

Gene: ATAD3C (ATPase family AAA domain containing 3C; plus strand). Cytogenetic location: 1p36.33.
Variant type: Deletion.
Identifiers: ClinVar variation 3366432 (VCV003366432.1).

ClinVar aggregate classification (germline): Likely benign (1 of 4 stars; one submission).

Submission:

Women's Health and Genetics/Laboratory Corporation of America, LabCorp
Classification: Likely benign. Last evaluated: 2024-08-07. Review status: criteria provided, single submitter. Criteria: LabCorp Variant Classification Summary - May 2015. Collection method: clinical testing. Allele origin: germline.
Comment: Variant summary: The variant involves the deletion of exons 1-12 in the ATAD3C gene. A presumed nomenclature of c.(?_-996)_(*1634_?)del has been designated for the purposes of this classification. This deletion includes the entire coding sequence of the gene. As the exact proximal and distal breakpoints are unknown, it may extend beyond the annotated region of the gene to include other flanking genes. Current evidence is not sufficient to establish loss of function as a mechanism for disease. The variant allele was found at a frequency of 0.0087 in 125960 control chromosomes in the gnomAD database, including 10 homozygotes (gnomAD SV database v4). The observed variant frequency exceeds the estimated maximal expected allele frequency for a pathogenic variant in ATAD3C causing ATAD3C-Related Disorders phenotype. It is worth noting that there are multiple overlapping deletions at the ATAD3 gene cluster, which is composed of three paralogs (ATAD3A, ATAD3B, ATAD3C) with extensive sequence homology (PMID 32004445), and it is suggested that de novo duplications in this ATAD3 locus might lead to fatal perinatal mitochondrial cardiac failure (PMID 33575671). As the gene-disease association of ATAD3C has not been established, such frequencies are inconclusive to fully rule out a pathogenic variant in ATAD3C-related phenotypes. To our knowledge, no occurrence of c.(?_-996)_(*1634_?)del in individuals affected with ATAD3C-Related Disorders and no experimental evidence demonstrating its impact on protein function have been reported. A larger deletion including a large portion of this gene and full ATAD3B gene however was reported at a homozygous state in at-least one individual affected with fatal congenital pontocerebellar hypoplasia (example, Desai_2017). The following publication has been ascertained in the context of this evaluation (PMID: 28549128). ClinVar contains an entry for a deletion including both ATAD3B and ATAD3C (Variation ID: 3024570). Based on the evidence outlined above, the variant was classified as likely benign.

Literature cited by the submitters: PubMed 28549128.